The following is an entry in ClinVar:

ClinVar aggregate classification (germline): Uncertain significance. Review status: criteria provided, multiple submitters, no conflicts (2 of 4 stars). 3 submissions from 3 submitters: Uncertain significance (3). Last evaluated 2025-11-25.

Conditions:
Facioscapulohumeral muscular dystrophy 2 (FSHD2). Also called: MUSCULAR DYSTROPHY, FACIOSCAPULOHUMERAL, TYPE 1B; FACIOSCAPULOHUMERAL MUSCULAR DYSTROPHY 2, DIGENIC; FSHD2, DIGENIC. Identifiers: Orphanet 269, MedGen C1834671, MONDO:0008031, OMIM 158901.
Inborn genetic diseases. Identifiers: MedGen C0950123, MeSH D030342.

Allele frequency attached by ClinVar (database versions not stated): TOPMed below 0.00001; ExAC 0.00001; gnomAD exomes 0.00001 and 0.00002; gnomAD 0.00001.
gnomAD v4.1: 13 of 1,607,866 alleles (0.00081%); highest among the groups gnomAD compares: East Asian, 0.011%; no homozygotes.

Submissions (3):

Labcorp Genetics (formerly Invitae), Labcorp
Classification: Uncertain significance for Facioscapulohumeral muscular dystrophy 2. Last evaluated: 2025-11-25. Review status: criteria provided, single submitter. Criteria: Invitae Variant Classification Sherloc (09022015). Collection method: clinical testing. Allele origin: germline.
Comment: This sequence change replaces asparagine, which is neutral and polar, with serine, which is neutral and polar, at codon 1082 of the SMCHD1 protein (p.Asn1082Ser). This variant is present in population databases (rs756368420, gnomAD 0.003%). This variant has not been reported in the literature in individuals affected with SMCHD1-related conditions. ClinVar contains an entry for this variant (Variation ID: 283238). Invitae Evidence Modeling of protein sequence and biophysical properties (such as structural, functional, and spatial information, amino acid conservation, physicochemical variation, residue mobility, and thermodynamic stability) indicates that this missense variant is not expected to disrupt SMCHD1 protein function with a negative predictive value of 80%. In summary, the available evidence is currently insufficient to determine the role of this variant in disease. Therefore, it has been classified as a Variant of Uncertain Significance.

Ambry Genetics
Classification: Uncertain significance for Inborn genetic diseases. Last evaluated: 2025-04-18. Review status: criteria provided, single submitter. Criteria: Ambry Variant Classification Scheme 2023. Collection method: clinical testing. Allele origin: germline.

Eurofins Ntd Llc (ga)
Classification: Uncertain significance. Last evaluated: 2015-09-10. Review status: criteria provided, single submitter. Criteria: EGL Classification Definitions 2015. Collection method: clinical testing. Allele origin: germline. Observed: 1 variant allele, 1 heterozygote.

NM_015295.3(SMCHD1):c.3245A>G (p.Asn1082Ser)

Gene: SMCHD1 (structural maintenance of chromosomes flexible hinge domain containing 1; plus strand). Cytogenetic location: 18p11.32.
Variant type: single nucleotide variant.
Coding change: c.3245A>G on transcript NM_015295.3 (MANE Select); coding-DNA position 3245, A replaced by G.
Protein change: p.Asn1082Ser; replaces asparagine 1082 with serine.
Molecular consequence: missense variant.
Genome position (GRCh38, 1-based): chr18:2,732,461, A>G. VCF-style: chr18-2732461-A-G. GRCh37 (hg19) VCF-style: chr18-2732459-A-G.
Other names: short protein forms N1082S.
Identifiers: ClinVar variation 283238 (VCV000283238.10), dbSNP rs756368420, ClinGen allele CA8871153.